The following is an entry in ClinVar:

NM_170707.4(LMNA):c.1261C>T (p.Leu421=)

Gene: LMNA (lamin A/C; plus strand). Cytogenetic location: 1q22.
Variant type: single nucleotide variant.
Coding change: c.1261C>T on transcript NM_170707.4 (MANE Select); coding-DNA position 1261, C replaced by T.
Protein change: p.Leu421=; no amino-acid change (leucine 421 retained).
Molecular consequence: synonymous variant.
Genome position (GRCh38, 1-based): chr1:156,136,317, C>T. VCF-style: chr1-156136317-C-T. GRCh37 (hg19) VCF-style: chr1-156106108-C-T.
Other names: c.925C>T, p.Leu309= (NM_001257374.3); c.1018C>T, p.Leu340= (NM_001282624.2); c.1261C>T, p.Leu421= (NM_001282625.2, NM_001282626.2, NM_005572.4 and 1 more transcripts).
Identifiers: ClinVar variation 756494 (VCV000756494.12), dbSNP rs1194745110, ClinGen allele CA421258053.
Genomic context (GRCh38, chr1:156,136,317, plus strand): 5'-CGTGCTTCCTCTCACTCATCCCAGACACAGGGTGGGGGCAGCGTCACCAAAAAGCGCAAA[C>T]TGGAGTCCACTGAGAGCCGCAGCAGCTTCTCACAGCACGCACGCACTAGCGGGCGCGTGG-3'
Protein context (NP_733821.1, residues 411-431): GGGSVTKKRK[Leu421=]ESTESRSSFS

ClinVar aggregate classification (germline): Likely benign. Review status: criteria provided, multiple submitters, no conflicts (2 of 4 stars). 4 submissions from 4 submitters: Likely benign (4). Last evaluated 2025-11-24.

Conditions:
Cardiomyopathy (CMYO). Also called: Cardiomyopathies. Identifiers: Orphanet 167848, MedGen C0878544, MONDO:0004994, HP:0001638. Inheritance: Various modes of inheritance.
Charcot-Marie-Tooth disease. Also called: Charcot-Marie-Tooth Neuropathy; Charcot-Marie-Tooth Hereditary Neuropathy. Identifiers: Orphanet 166, MedGen C0007959, MONDO:0015626.
Charcot-Marie-Tooth disease type 2. Also called: Charcot-Marie-Tooth type 2. Identifiers: Orphanet 64746, MedGen C0270914, MONDO:0018993.
Primary dilated cardiomyopathy (DCM). Also called: Dilated Cardiomyopathy. Identifiers: Orphanet 217604, MedGen C0007193, MeSH D002311, MONDO:0005021, HP:0001644. Inheritance: Various modes of inheritance.

Allele frequency attached by ClinVar (database versions not stated): gnomAD exomes below 0.00001 and 0.00001.
gnomAD v4.1: 15 of 1,612,294 alleles (0.00093%); highest among the groups gnomAD compares: Non-Finnish European, 0.0012%; no homozygotes.

Submissions (4):

Labcorp Genetics (formerly Invitae), Labcorp
Classification: Likely benign for Charcot-Marie-Tooth disease type 2. Last evaluated: 2025-11-24. Review status: criteria provided, single submitter. Criteria: Invitae Variant Classification Sherloc (09022015). Collection method: clinical testing. Allele origin: germline.

All of Us Research Program, National Institutes of Health
Classification: Likely benign for Primary dilated cardiomyopathy. Last evaluated: 2024-04-25. Review status: criteria provided, single submitter. Criteria: ACMG Guidelines, 2015. Collection method: clinical testing. Allele origin: germline. Inheritance: Autosomal dominant inheritance. Observed: 1 variant allele, 1 heterozygote.
Comment: This study involves interpretation of variants in research participants for the purpose of population health screening. Participant phenotype was not available at the time of variant classification. Additional details can be found in publication PMID: 35346344, PMCID: PMC8962531

Color Diagnostics, LLC DBA Color Health
Classification: Likely benign for Cardiomyopathy. Last evaluated: 2024-02-28. Review status: criteria provided, single submitter. Criteria: ACMG Guidelines, 2015. Collection method: clinical testing. Allele origin: germline.

Molecular Genetics Laboratory, London Health Sciences Centre
Classification: Likely benign for Charcot-Marie-Tooth disease. Review status: criteria provided, single submitter. Criteria: ACMG Guidelines, 2015. Collection method: clinical testing. Allele origin: germline. Affected: yes.